The following is an entry in ClinVar:

NM_001184.4(ATR):c.6179A>G (p.Lys2060Arg)

Genes: ATR (ATR checkpoint kinase; minus strand), LOC126806830 (BRD4-independent group 4 enhancer GRCh37_chr3:142203676-142204875; plus strand). Cytogenetic location: 3q23.
Variant type: single nucleotide variant.
Coding change: c.6179A>G on transcript NM_001184.4 (MANE Select); coding-DNA position 6179, A replaced by G.
Protein change: p.Lys2060Arg; replaces lysine 2060 with arginine.
Molecular consequence: missense variant.
Genome position (GRCh38, 1-based): chr3:142,485,182, T>C on the plus strand (A>G on the coding strand, the complement: ATR is on the minus strand). VCF-style: chr3-142485182-T-C. GRCh37 (hg19) VCF-style: chr3-142204024-T-C.
Other names: c.5987A>G, p.Lys1996Arg (NM_001354579.2); short protein forms K2060R, K1996R.
Identifiers: ClinVar variation 1752033 (VCV001752033.2), dbSNP rs2473119333, ClinGen allele CA354809505.

ClinVar aggregate classification (germline): Uncertain significance (1 of 4 stars; one submission).

Conditions:
Inborn genetic diseases. Identifiers: MedGen C0950123, MeSH D030342.

Submission:

Ambry Genetics
Classification: Uncertain significance for Inborn genetic diseases. Last evaluated: 2021-07-04. Review status: criteria provided, single submitter. Criteria: Ambry Variant Classification Scheme 2023. Collection method: clinical testing. Allele origin: germline.
Comment: The p.K2060R variant (also known as c.6179A>G), located in coding exon 36 of the ATR gene, results from an A to G substitution at nucleotide position 6179. The lysine at codon 2060 is replaced by arginine, an amino acid with highly similar properties. This amino acid position is conserved. In addition, this alteration is predicted to be tolerated by in silico analysis. Since supporting evidence is limited at this time, the clinical significance of this alteration remains unclear.